The following is an entry in ClinVar:

NM_024301.5(FKRP):c.1349T>C (p.Val450Ala)

Gene: FKRP (fukutin related protein; plus strand). Cytogenetic location: 19q13.32.
Variant type: single nucleotide variant.
Coding change: c.1349T>C on transcript NM_024301.5 (MANE Select); coding-DNA position 1349, T replaced by C.
Protein change: p.Val450Ala; replaces valine 450 with alanine.
Molecular consequence: missense variant.
Genome position (GRCh38, 1-based): chr19:46,756,799, T>C. VCF-style: chr19-46756799-T-C. GRCh37 (hg19) VCF-style: chr19-47260056-T-C.
Other names: c.1349T>C, p.Val450Ala (NM_001039885.3); short protein forms V450A.
Identifiers: ClinVar variation 1941492 (VCV001941492.4), dbSNP rs1599940119, ClinGen allele CA406497188.

ClinVar aggregate classification (germline): Uncertain significance (1 of 4 stars; one submission).

Conditions:
Walker-Warburg congenital muscular dystrophy. Also called: Muscular dystrophy-dystroglycanopathy, type A; Walker-Warburg syndrome. Identifiers: Orphanet 899, MedGen C0265221, MONDO:0000171.

Allele frequency attached by ClinVar (database versions not stated): TOPMed 0.00001.

Submission:

Labcorp Genetics (formerly Invitae), Labcorp
Classification: Uncertain significance for Walker-Warburg congenital muscular dystrophy. Last evaluated: 2024-10-25. Review status: criteria provided, single submitter. Criteria: Invitae Variant Classification Sherloc (09022015). Collection method: clinical testing. Allele origin: germline.
Comment: This sequence change replaces valine, which is neutral and non-polar, with alanine, which is neutral and non-polar, at codon 450 of the FKRP protein (p.Val450Ala). This variant is not present in population databases (gnomAD no frequency). This variant has not been reported in the literature in individuals affected with FKRP-related conditions. ClinVar contains an entry for this variant (Variation ID: 1941492). Invitae Evidence Modeling of protein sequence and biophysical properties (such as structural, functional, and spatial information, amino acid conservation, physicochemical variation, residue mobility, and thermodynamic stability) indicates that this missense variant is not expected to disrupt FKRP protein function with a negative predictive value of 80%. In summary, the available evidence is currently insufficient to determine the role of this variant in disease. Therefore, it has been classified as a Variant of Uncertain Significance.